The following is an entry in ClinVar:

NC_000012.11:g.(?_12037359)_(12037541_?)del

Gene: ETV6 (ETS variant transcription factor 6; plus strand). Cytogenetic location: 12p13.2.
Variant type: Deletion.
Identifiers: ClinVar variation 3244377 (VCV003244377.1).

ClinVar aggregate classification (germline): Uncertain significance (1 of 4 stars; one submission).

Submission:

Labcorp Genetics (formerly Invitae), Labcorp
Classification: Uncertain significance. Last evaluated: 2023-05-22. Review status: criteria provided, single submitter. Criteria: Invitae Variant Classification Sherloc (09022015). Collection method: clinical testing. Allele origin: unknown.
Comment: In summary, the available evidence is currently insufficient to determine the role of this variant in disease. Therefore, it has been classified as a Variant of Uncertain Significance. Experimental studies and prediction algorithms are not available or were not evaluated, and the functional significance of this variant is currently unknown. This variant has not been reported in the literature in individuals affected with ETV6-related conditions. This variant is a gross deletion of the genomic region encompassing exon(s) 6 of the ETV6 gene. This deletion is out-of-frame, and is expected to create a premature translational stop signal and result in an absent or disrupted protein product. However, the current clinical and genetic evidence is not sufficient to establish whether loss-of-function variants in ETV6 cause disease.